The following is an entry in ClinVar:

ClinVar aggregate classification (germline): Uncertain significance (1 of 4 stars; one submission).

Conditions:
Early-infantile DEE. Also called: Early infantile epileptic encephalopathy; Ohtahara syndrome; Early infantile epileptic encephalopathy with suppression bursts. Identifiers: Orphanet 1934, MedGen C0393706, MONDO:0800491.

Submission:

Labcorp Genetics (formerly Invitae), Labcorp
Classification: Uncertain significance for Early-infantile DEE. Last evaluated: 2024-03-20. Review status: criteria provided, single submitter. Criteria: Invitae Variant Classification Sherloc (09022015). Collection method: clinical testing. Allele origin: germline.
Comment: This sequence change replaces arginine, which is basic and polar, with leucine, which is neutral and non-polar, at codon 659 of the HCN1 protein (p.Arg659Leu). This variant is not present in population databases (gnomAD no frequency). This variant has not been reported in the literature in individuals affected with HCN1-related conditions. Advanced modeling of protein sequence and biophysical properties (such as structural, functional, and spatial information, amino acid conservation, physicochemical variation, residue mobility, and thermodynamic stability) performed at Invitae indicates that this missense variant is not expected to disrupt HCN1 protein function with a negative predictive value of 80%. In summary, the available evidence is currently insufficient to determine the role of this variant in disease. Therefore, it has been classified as a Variant of Uncertain Significance.

NM_021072.4(HCN1):c.1976G>T (p.Arg659Leu)

Gene: HCN1 (hyperpolarization activated cyclic nucleotide gated potassium channel 1; minus strand). Cytogenetic location: 5p12.
Variant type: single nucleotide variant.
Coding change: c.1976G>T on transcript NM_021072.4 (MANE Select); coding-DNA position 1976, G replaced by T.
Protein change: p.Arg659Leu; replaces arginine 659 with leucine.
Molecular consequence: missense variant.
Genome position (GRCh38, 1-based): chr5:45,262,618, C>A on the plus strand (G>T on the coding strand, the complement: HCN1 is on the minus strand). VCF-style: chr5-45262618-C-A. GRCh37 (hg19) VCF-style: chr5-45262720-C-A.
Other names: short protein forms R659L.
Identifiers: ClinVar variation 3645044 (VCV003645044.2).